The following is an entry in ClinVar:

ClinVar aggregate classification (germline): Conflicting classifications of pathogenicity. Review status: criteria provided, conflicting classifications (1 of 4 stars). 5 submissions from 5 submitters: Uncertain significance (4); Likely benign (1). Last evaluated 2025-10-21.

Conditions:
Cardiovascular phenotype. Identifiers: MedGen CN230736.
Catecholaminergic polymorphic ventricular tachycardia (CVPT). Also called: Catecholamine-induced polymorphic ventricular tachycardia. Identifiers: Orphanet 3286, MedGen C5574922, MONDO:0017990.
Cardiomyopathy (CMYO). Also called: Cardiomyopathies. Identifiers: Orphanet 167848, MedGen C0878544, MONDO:0004994, HP:0001638. Inheritance: Various modes of inheritance.
Catecholaminergic polymorphic ventricular tachycardia 1. Also called: VENTRICULAR TACHYCARDIA, CATECHOLAMINERGIC POLYMORPHIC, 1, WITH OR WITHOUT ATRIAL DYSFUNCTION AND/OR DILATED CARDIOMYOPATHY; VENTRICULAR TACHYCARDIA, STRESS-INDUCED POLYMORPHIC 1; RYR2-Related Catecholaminergic Polymorphic Ventricular Tachycardia. Identifiers: Orphanet 3286, MedGen C1631597, MONDO:0011484, OMIM 604772.

Allele frequency attached by ClinVar (database versions not stated): gnomAD exomes below 0.00001; TOPMed 0.00006; gnomAD 0.00007 and 0.00008.
gnomAD v4.1: 16 of 1,608,814 alleles (0.00099%); highest among the groups gnomAD compares: African/African-American, 0.02%; no homozygotes.

Submissions (5):

Labcorp Genetics (formerly Invitae), Labcorp
Classification: Likely benign for Catecholaminergic polymorphic ventricular tachycardia 1. Last evaluated: 2025-10-21. Review status: criteria provided, single submitter. Criteria: Invitae Variant Classification Sherloc (09022015). Collection method: clinical testing. Allele origin: germline.

Ambry Genetics
Classification: Uncertain significance for Cardiovascular phenotype. Last evaluated: 2025-07-09. Review status: criteria provided, single submitter. Criteria: Ambry Variant Classification Scheme 2023. Collection method: clinical testing. Allele origin: germline.
Comment: The p.I3133V variant (also known as c.9397A>G), located in coding exon 66 of the RYR2 gene, results from an A to G substitution at nucleotide position 9397. The isoleucine at codon 3133 is replaced by valine, an amino acid with highly similar properties. This amino acid position is highly conserved in available vertebrate species. In addition, this alteration is predicted to be tolerated by in silico analysis. Based on the available evidence, the clinical significance of this variant remains unclear.

GeneDx
Classification: Uncertain significance. Last evaluated: 2025-07-08. Review status: criteria provided, single submitter. Criteria: GeneDx Variant Classification Process June 2021. Collection method: clinical testing. Allele origin: germline. Affected: yes.
Comment: Has not been previously published as pathogenic or benign to our knowledge; Not located in one of the three hot-spot regions of the RYR2 gene, where the majority of pathogenic missense variants occur (PMID: 19926015); In silico analysis suggests that this missense variant does not alter protein structure/function; Not observed at significant frequency in large population cohorts (gnomAD); This variant is associated with the following publications: (PMID: 19926015)

Color Diagnostics, LLC DBA Color Health
Classification: Uncertain significance for Cardiomyopathy. Last evaluated: 2024-03-06. Review status: criteria provided, single submitter. Criteria: ACMG Guidelines, 2015. Collection method: clinical testing. Allele origin: germline.
Comment: This missense variant replaces isoleucine with valine at codon 3133 of the RYR2 protein. Computational prediction suggests that this variant may not impact protein structure and function (internally defined REVEL score threshold <= 0.5, PMID: 27666373). To our knowledge, functional studies have not been reported for this variant. This variant has not been reported in individuals affected with cardiovascular disorders in the literature. This variant has been identified in 1/31396 chromosomes in the general population by the Genome Aggregation Database (gnomAD). The available evidence is insufficient to determine the role of this variant in disease conclusively. Therefore, this variant is classified as a Variant of Uncertain Significance.

All of Us Research Program, National Institutes of Health
Classification: Uncertain significance for Catecholaminergic polymorphic ventricular tachycardia. Last evaluated: 2023-05-31. Review status: criteria provided, single submitter. Criteria: ACMG Guidelines, 2015. Collection method: clinical testing. Allele origin: germline. Inheritance: Autosomal dominant inheritance. Observed: 1 variant allele, 1 heterozygote.
Comment: This missense variant replaces isoleucine with valine at codon 3133 of the RYR2 protein. Computational prediction suggests that this variant may not impact protein structure and function (internally defined REVEL score threshold <= 0.5, PMID: 27666373). To our knowledge, functional studies have not been reported for this variant. This variant has not been reported in individuals affected with cardiovascular disorders in the literature. This variant has been identified in 1/31396 chromosomes in the general population by the Genome Aggregation Database (gnomAD). The available evidence is insufficient to determine the role of this variant in disease conclusively. Therefore, this variant is classified as a Variant of Uncertain Significance.

This study involves interpretation of variants in research participants for the purpose of population health screening. Participant phenotype was not available at the time of variant classification. Additional details can be found in publication PMID: 35346344, PMCID: PMC8962531

NM_001035.3(RYR2):c.9397A>G (p.Ile3133Val)

Gene: RYR2 (ryanodine receptor 2; plus strand). Cytogenetic location: 1q43.
Variant type: single nucleotide variant.
Coding change: c.9397A>G on transcript NM_001035.3 (MANE Select); coding-DNA position 9397, A replaced by G.
Protein change: p.Ile3133Val; replaces isoleucine 3133 with valine.
Molecular consequence: missense variant.
Genome position (GRCh38, 1-based): chr1:237,702,007, A>G. VCF-style: chr1-237702007-A-G. GRCh37 (hg19) VCF-style: chr1-237865307-A-G.
Other names: short protein forms I3133V.
Identifiers: ClinVar variation 957419 (VCV000957419.21), dbSNP rs1032783973, ClinGen allele CA39787839.
Genomic context (GRCh38, chr1:237,702,007, plus strand): 5'-TTCTTTCAAGTGAGATTCTCTTTTTCCTTAGTGGAAGATGTCCAGGTGTCTTGTTATAGA[A>G]TTCTGACTAGCTTATATGCTTTGGGAACCAGCAAGAGTATTTACGTGGAGAGGTAAGAAT-3'
Protein context (NP_001026.2, residues 3123-3143): LEDVQVSCYR[Ile3133Val]LTSLYALGTS